The following is an entry in ClinVar:

ClinVar aggregate classification (germline): Uncertain significance. Review status: criteria provided, multiple submitters, no conflicts (2 of 4 stars). 2 submissions from 2 submitters: Uncertain significance (2). Last evaluated 2024-09-14.

Conditions:
Immunodeficiency 14 (IMD14A). Also called: IMMUNODEFICIENCY 14A WITH LYMPHOPROLIFERATION, AUTOSOMAL DOMINANT; p110-DELTA-ACTIVATING MUTATION CAUSING SENESCENT T CELLS, LYMPHADENOPATHY, AND IMMUNODEFICIENCY; ACTIVATED PI3K-DELTA SYNDROME 1; Activated PI3K Delta Syndrome Type 1 (APDS1). Identifiers: Orphanet 397596, Orphanet 693661, MedGen C5907821, MONDO:0014222, OMIM 615513.

gnomAD v4.1: 1 of 1,612,434 alleles (0.000062%); no homozygotes.

Submissions (2):

Labcorp Genetics (formerly Invitae), Labcorp
Classification: Uncertain significance for Activated PI3K-delta syndrome. Last evaluated: 2024-09-14. Review status: criteria provided, single submitter. Criteria: Invitae Variant Classification Sherloc (09022015). Collection method: clinical testing. Allele origin: germline.
Comment: This sequence change replaces phenylalanine, which is neutral and non-polar, with cysteine, which is neutral and slightly polar, at codon 167 of the PIK3CD protein (p.Phe167Cys). This variant is not present in population databases (gnomAD no frequency). This variant has not been reported in the literature in individuals affected with PIK3CD-related conditions. ClinVar contains an entry for this variant (Variation ID: 1320808). Invitae Evidence Modeling of protein sequence and biophysical properties (such as structural, functional, and spatial information, amino acid conservation, physicochemical variation, residue mobility, and thermodynamic stability) indicates that this missense variant is not expected to disrupt PIK3CD protein function with a negative predictive value of 80%. In summary, the available evidence is currently insufficient to determine the role of this variant in disease. Therefore, it has been classified as a Variant of Uncertain Significance.

GeneDx
Classification: Uncertain significance. Last evaluated: 2021-04-15. Review status: criteria provided, single submitter. Criteria: GeneDx Variant Classification Process June 2021. Collection method: clinical testing. Allele origin: germline. Affected: yes.
Comment: Not observed in large population cohorts (Lek et al., 2016); In silico analysis supports that this missense variant has a deleterious effect on protein structure/function; Has not been previously published as pathogenic or benign to our knowledge

NM_005026.5(PIK3CD):c.500T>G (p.Phe167Cys)

Gene: PIK3CD (phosphatidylinositol-4,5-bisphosphate 3-kinase catalytic subunit delta; plus strand). Cytogenetic location: 1p36.22.
Variant type: single nucleotide variant.
Coding change: c.500T>G on transcript NM_005026.5 (MANE Select); coding-DNA position 500, T replaced by G.
Protein change: p.Phe167Cys; replaces phenylalanine 167 with cysteine.
Molecular consequence: missense variant.
Genome position (GRCh38, 1-based): chr1:9,715,978, T>G. VCF-style: chr1-9715978-T-G. GRCh37 (hg19) VCF-style: chr1-9776036-T-G.
Other names: c.500T>G, p.Phe167Cys (NM_001350234.2, NM_001350235.1); short protein forms F167C.
Identifiers: ClinVar variation 1320808 (VCV001320808.4), dbSNP rs2100846619, ClinGen allele CA338300762.